The following is an entry in ClinVar:

NM_006005.3(WFS1):c.1050C>G (p.Phe350Leu)

Gene: WFS1 (wolframin ER transmembrane glycoprotein; plus strand). Cytogenetic location: 4p16.1.
Variant type: single nucleotide variant.
Coding change: c.1050C>G on transcript NM_006005.3 (MANE Select); coding-DNA position 1050, C replaced by G.
Protein change: p.Phe350Leu; replaces phenylalanine 350 with leucine.
Molecular consequence: missense variant.
Genome position (GRCh38, 1-based): chr4:6,300,845, C>G. VCF-style: chr4-6300845-C-G. GRCh37 (hg19) VCF-style: chr4-6302572-C-G.
Other names: c.1050C>G, p.Phe350Leu (NM_001145853.1); short protein forms F350L.
Identifiers: ClinVar variation 1359262 (VCV001359262.9), dbSNP rs557974956, ClinGen allele CA2839203.

ClinVar aggregate classification (germline): Uncertain significance. Review status: criteria provided, multiple submitters, no conflicts (2 of 4 stars). 4 submissions from 4 submitters: Uncertain significance (4). Last evaluated 2025-12-12.

Conditions:
Inborn genetic diseases. Identifiers: MedGen C0950123, MeSH D030342.

Allele frequency attached by ClinVar (database versions not stated): gnomAD 0.00002; gnomAD exomes 0.00002 and 0.00004; ExAC 0.00004; 1000 Genomes Project 30x 0.00031; 1000 Genomes Project 0.00040.
gnomAD v4.1: 34 of 1,614,152 alleles (0.0021%); highest among the groups gnomAD compares: South Asian, 0.032%; no homozygotes.

Submissions (4):

Women's Health and Genetics/Laboratory Corporation of America, LabCorp
Classification: Uncertain significance. Last evaluated: 2025-12-12. Review status: criteria provided, single submitter. Criteria: LabCorp Variant Classification Summary - May 2015. Collection method: clinical testing. Allele origin: germline.
Comment: Variant summary: WFS1 c.1050C>G (p.Phe350Leu) results in a non-conservative amino acid change in the encoded protein sequence. Algorithms developed to predict the effect of missense changes on protein structure and function are either unavailable or do not agree on the potential impact of this missense change. The variant allele was found at a frequency of 3.6e-05 in 251448 control chromosomes. The available data on variant occurrences in the general population are insufficient to allow any conclusion about variant significance. c.1050C>G has been observed in the presumed compound heterozygous state in at least 1 individual(s) affected with clinical features of Wolfram Syndrome 1 (example, Zheng_2025). These report(s) do not provide unequivocal conclusions about association of the variant with Wolfram Syndrome 1. To our knowledge, no experimental evidence demonstrating an impact on protein function has been reported. The following publication have been ascertained in the context of this evaluation (PMID: 39423307). ClinVar contains an entry for this variant (Variation ID: 1359262). Based on the evidence outlined above, the variant was classified as uncertain significance.

Ambry Genetics
Classification: Uncertain significance for Inborn genetic diseases. Last evaluated: 2024-03-08. Review status: criteria provided, single submitter. Criteria: Ambry Variant Classification Scheme 2023. Collection method: clinical testing. Allele origin: germline.

Blueprint Genetics
Classification: Uncertain significance. Last evaluated: 2023-02-09. Review status: criteria provided, single submitter. Criteria: ACMG Guidelines, 2015. Collection method: clinical testing. Allele origin: germline.

Labcorp Genetics (formerly Invitae), Labcorp
Classification: Uncertain significance. Last evaluated: 2022-04-11. Review status: criteria provided, single submitter. Criteria: Invitae Variant Classification Sherloc (09022015). Collection method: clinical testing. Allele origin: germline.
Comment: In summary, the available evidence is currently insufficient to determine the role of this variant in disease. Therefore, it has been classified as a Variant of Uncertain Significance. Advanced modeling of protein sequence and biophysical properties (such as structural, functional, and spatial information, amino acid conservation, physicochemical variation, residue mobility, and thermodynamic stability) performed at Invitae indicates that this missense variant is not expected to disrupt WFS1 protein function. This variant has not been reported in the literature in individuals affected with WFS1-related conditions. This variant is present in population databases (rs557974956, gnomAD 0.03%). This sequence change replaces phenylalanine, which is neutral and non-polar, with leucine, which is neutral and non-polar, at codon 350 of the WFS1 protein (p.Phe350Leu).

Literature cited by the submitters: PubMed 39423307 (cited by Women's Health and Genetics/Laboratory Corporation of America, LabCorp).